The following is an entry in ClinVar:

ClinVar aggregate classification (germline): Uncertain significance (1 of 4 stars; one submission).

Submission:

GeneDx
Classification: Uncertain significance. Last evaluated: 2024-09-16. Review status: criteria provided, single submitter. Criteria: GeneDx Variant Classification Process June 2021. Collection method: clinical testing. Allele origin: germline. Affected: yes.
Comment: Not observed at significant frequency in large population cohorts (gnomAD); In silico analysis indicates that this missense variant does not alter protein structure/function; Has not been previously published as pathogenic or benign to our knowledge

NM_006940.6(SOX5):c.1079T>A (p.Ile360Lys)

Gene: SOX5 (SRY-box transcription factor 5; minus strand). Cytogenetic location: 12p12.1.
Variant type: single nucleotide variant.
Coding change: c.1079T>A on transcript NM_006940.6 (MANE Select); coding-DNA position 1079, T replaced by A.
Protein change: p.Ile360Lys; replaces isoleucine 360 with lysine.
Molecular consequence: missense variant.
Genome position (GRCh38, 1-based): chr12:23,604,472, A>T on the plus strand (T>A on the coding strand, the complement: SOX5 is on the minus strand). VCF-style: chr12-23604472-A-T. GRCh37 (hg19) VCF-style: chr12-23757406-A-T.
Other names: c.1040T>A, p.Ile347Lys (NM_001261414.3, NM_152989.5); c.1049T>A, p.Ile350Lys (NM_001261415.3); c.974T>A, p.Ile325Lys (NM_001330785.2); short protein forms I325K, I347K, I350K, I360K.
Identifiers: ClinVar variation 3770058 (VCV003770058.1).
Genomic context (GRCh38, chr12:23,604,472, plus strand): 5'-GTGCTCTTGTCTGTGTGAATGCTGGTAGGAGATACAGCAGCACCAAGGTTGCCTTGGGGT[A>T]TGCCTGGCAGCTTCCCTCCTGGAGATACCTGCATTGCAGCTAGCTGGGCAGCATATAACT-3'
Protein context (NP_008871.3, residues 350-370): QVSPGGKLPG[Ile360Lys]PQGNLGAAVS